The following is an entry in ClinVar:

NM_000038.6(APC):c.7124A>C (p.Gln2375Pro)

Gene: APC (APC regulator of Wnt signaling pathway; plus strand). Cytogenetic location: 5q22.2.
Variant type: single nucleotide variant.
Coding change: c.7124A>C on transcript NM_000038.6 (MANE Select); coding-DNA position 7124, A replaced by C.
Protein change: p.Gln2375Pro; replaces glutamine 2375 with proline.
Molecular consequence: missense variant.
Genome position (GRCh38, 1-based): chr5:112,842,718, A>C. VCF-style: chr5-112842718-A-C. GRCh37 (hg19) VCF-style: chr5-112178415-A-C.
Other names: c.7124A>C (NM_000038.5); c.7124A>C, p.Gln2375Pro (NM_001127510.3, NM_001354895.2); c.7070A>C, p.Gln2357Pro (NM_001127511.3); c.7178A>C, p.Gln2393Pro (NM_001354896.2); c.7154A>C, p.Gln2385Pro (NM_001354897.2); c.7049A>C, p.Gln2350Pro (NM_001354898.2); c.7040A>C, p.Gln2347Pro (NM_001354899.2); c.7001A>C, p.Gln2334Pro (NM_001354900.2); and 6 more; short protein forms Q2357P, Q2274P, Q2334P, Q2385P, Q2215P, Q2284P, Q2347P, Q2393P.
Identifiers: ClinVar variation 1359860 (VCV001359860.9), dbSNP rs1766382046, ClinGen allele CA16036847.

ClinVar aggregate classification (germline): Uncertain significance. Review status: criteria provided, multiple submitters, no conflicts (2 of 4 stars). 2 submissions from 2 submitters: Uncertain significance (2). Last evaluated 2025-03-08.

Conditions:
Hereditary cancer-predisposing syndrome. Also called: Tumor predisposition; Hereditary neoplastic syndrome; Neoplastic Syndromes, Hereditary; Hereditary Cancer Syndrome. Identifiers: Orphanet 140162, MedGen C0027672, MeSH D009386, MONDO:0015356.
Familial adenomatous polyposis 1 (FAP1). Also called: FAMILIAL ADENOMATOUS POLYPOSIS 1, ATTENUATED; POLYPOSIS, ADENOMATOUS INTESTINAL. Identifiers: MedGen C2713442, MONDO:0021056, OMIM 175100. Disease mechanism: loss of function.

Submissions (2):

Ambry Genetics
Classification: Uncertain significance for Hereditary cancer-predisposing syndrome. Last evaluated: 2025-03-08. Review status: criteria provided, single submitter. Criteria: Ambry Variant Classification Scheme 2023. Collection method: clinical testing. Allele origin: germline.
Comment: The p.Q2375P variant (also known as c.7124A>C), located in coding exon 15 of the APC gene, results from an A to C substitution at nucleotide position 7124. The glutamine at codon 2375 is replaced by proline, an amino acid with similar properties. This amino acid position is conserved. In addition, in silico predictors for this gene do not accurately predict pathogenicity. Based on the available evidence, the clinical significance of this variant remains unclear.

Labcorp Genetics (formerly Invitae), Labcorp
Classification: Uncertain significance for Familial adenomatous polyposis 1. Last evaluated: 2022-08-09. Review status: criteria provided, single submitter. Criteria: Invitae Variant Classification Sherloc (09022015). Collection method: clinical testing. Allele origin: germline.
Comment: This variant has not been reported in the literature in individuals affected with APC-related conditions. This sequence change replaces glutamine, which is neutral and polar, with proline, which is neutral and non-polar, at codon 2375 of the APC protein (p.Gln2375Pro). This variant is not present in population databases (gnomAD no frequency). ClinVar contains an entry for this variant (Variation ID: 1359860). Algorithms developed to predict the effect of missense changes on protein structure and function are either unavailable or do not agree on the potential impact of this missense change (SIFT: "Deleterious"; PolyPhen-2: "Probably Damaging"; Align-GVGD: "Class C15"). In summary, the available evidence is currently insufficient to determine the role of this variant in disease. Therefore, it has been classified as a Variant of Uncertain Significance.